The following is an entry in ClinVar:

NM_017763.6(RNF43):c.794G>C (p.Ser265Thr)

Gene: RNF43 (ring finger protein 43; minus strand). Cytogenetic location: 17q22.
Variant type: single nucleotide variant.
Coding change: c.794G>C on transcript NM_017763.6 (MANE Select); coding-DNA position 794, G replaced by C.
Protein change: p.Ser265Thr; replaces serine 265 with threonine.
Molecular consequence: missense variant.
Genome position (GRCh38, 1-based): chr17:58,360,838, C>G on the plus strand (G>C on the coding strand, the complement: RNF43 is on the minus strand). VCF-style: chr17-58360838-C-G. GRCh37 (hg19) VCF-style: chr17-56438199-C-G.
Other names: c.794G>C, p.Ser265Thr (NM_001305544.3); c.413G>C, p.Ser138Thr (NM_001305545.2); short protein forms S265T, S138T.
Identifiers: ClinVar variation 3789935 (VCV003789935.2).

ClinVar aggregate classification (germline): Uncertain significance. Review status: criteria provided, multiple submitters, no conflicts (2 of 4 stars). 2 submissions from 2 submitters: Uncertain significance (2). Last evaluated 2026-01-05.

Submissions (2):

Labcorp Genetics (formerly Invitae), Labcorp
Classification: Uncertain significance. Last evaluated: 2026-01-05. Review status: criteria provided, single submitter. Criteria: Invitae Variant Classification Sherloc (09022015). Collection method: clinical testing. Allele origin: germline.
Comment: This sequence change replaces serine, which is neutral and polar, with threonine, which is neutral and polar, at codon 265 of the RNF43 protein (p.Ser265Thr). This variant is not present in population databases (gnomAD no frequency). This variant has not been reported in the literature in individuals affected with RNF43-related conditions. ClinVar contains an entry for this variant (Variation ID: 3789935). An algorithm developed to predict the effect of missense changes on protein structure and function outputs the following: PolyPhen-2: "Benign". The threonine amino acid residue is found in multiple mammalian species, which suggests that this missense change does not adversely affect protein function. In summary, the available evidence is currently insufficient to determine the role of this variant in disease. Therefore, it has been classified as a Variant of Uncertain Significance.

Ambry Genetics
Classification: Uncertain significance. Last evaluated: 2025-02-09. Review status: criteria provided, single submitter. Criteria: Ambry Variant Classification Scheme 2023. Collection method: clinical testing. Allele origin: germline.
Comment: The p.S265T variant (also known as c.794G>C), located in coding exon 6 of the RNF43 gene, results from a G to C substitution at nucleotide position 794. The serine at codon 265 is replaced by threonine, an amino acid with similar properties. This amino acid position is conserved. In addition, this alteration is predicted to be tolerated by in silico analysis. Based on the available evidence, the clinical significance of this variant remains unclear.